The following is an entry in ClinVar:

ClinVar aggregate classification (germline): Pathogenic (1 of 4 stars; one submission).

Submission:

Labcorp Genetics (formerly Invitae), Labcorp
Classification: Pathogenic. Last evaluated: 2022-08-16. Review status: criteria provided, single submitter. Criteria: Invitae Variant Classification Sherloc (09022015). Collection method: clinical testing. Allele origin: germline.
Comment: For these reasons, this variant has been classified as Pathogenic. This variant has not been reported in the literature in individuals affected with CWC27-related conditions. This variant is a gross deletion of the genomic region encompassing exon(s) 3-8 of the CWC27 gene. This deletion is out-of-frame, and is expected to create a premature termination codon and result in an absent or disrupted protein product. Loss-of-function variants in CWC27 are known to be pathogenic (PMID: 28285769).

Literature cited by the submitters: PubMed 28285769.

NC_000005.9:g.(?_64077728)_(64096174_?)del

Gene: CWC27 (CWC27 spliceosome associated cyclophilin; plus strand). Cytogenetic location: 5q12.3.
Variant type: Deletion.
Identifiers: ClinVar variation 2425426 (VCV002425426.3).